The following is an entry in ClinVar:

ClinVar aggregate classification (germline): Pathogenic. Review status: criteria provided, single submitter (1 of 4 stars). 2 submissions from 2 submitters: Pathogenic (1). 1 of the submissions does not count toward it. Last evaluated 2021-03-18.

Conditions:
Fibrochondrogenesis. Identifiers: Orphanet 2021, MedGen C0265282, MONDO:0016068.

Submissions (2):

Labcorp Genetics (formerly Invitae), Labcorp
Classification: Pathogenic. Last evaluated: 2021-03-18. Review status: criteria provided, single submitter. Criteria: Invitae Variant Classification Sherloc (09022015). Collection method: clinical testing. Allele origin: germline.
Comment: For these reasons, this variant has been classified as Pathogenic. This variant has been observed in individual(s) with fibrochondrogenesis (PMID: 21035103). ClinVar contains an entry for this variant (Variation ID: 29649). This variant is not present in population databases (ExAC no frequency). This sequence change creates a premature translational stop signal (p.Gly1315*) in the COL11A1 gene. It is expected to result in an absent or disrupted protein product. Loss-of-function variants in COL11A1 are known to be pathogenic (PMID: 21035103, 23922384).

OMIM
Classification: Pathogenic for FIBROCHONDROGENESIS. Last evaluated: 2010-11-12. Review status: no assertion criteria provided. Collection method: literature only. Allele origin: germline. Not counted in ClinVar's aggregate classification.

Literature cited by the submitters: PubMed 21035103 (cited by Labcorp Genetics (formerly Invitae), Labcorp and OMIM); PubMed 23922384 (cited by Labcorp Genetics (formerly Invitae), Labcorp).

NM_001854.4(COL11A1):c.3943G>T (p.Gly1315Ter)

Gene: COL11A1 (collagen type XI alpha 1 chain; minus strand). Cytogenetic location: 1p21.1.
Variant type: single nucleotide variant.
Coding change: c.3943G>T on transcript NM_001854.4 (MANE Select); coding-DNA position 3943, G replaced by T.
Protein change: p.Gly1315Ter; replaces glycine 1315 with a stop codon.
Molecular consequence: nonsense. On other transcripts: non-coding transcript variant (1).
Genome position (GRCh38, 1-based): chr1:102,914,387, C>A on the plus strand (G>T on the coding strand, the complement: COL11A1 is on the minus strand). VCF-style: chr1-102914387-C-A. GRCh37 (hg19) VCF-style: chr1-103379943-C-A.
Other names: c.3826G>T, p.Gly1276Ter (NM_001190709.2); c.3979G>T, p.Gly1327Ter (NM_080629.3); c.3595G>T, p.Gly1199Ter (NM_080630.4); short protein forms G1315*, G1327*, G1199*, G1276*.
Identifiers: ClinVar variation 29649 (VCV000029649.12), dbSNP rs1557812993, ClinGen allele CA341160982.